The following is an entry in ClinVar:

ClinVar aggregate classification (germline): Likely benign. Review status: criteria provided, multiple submitters, no conflicts (2 of 4 stars). 7 submissions from 7 submitters: Likely benign (6). 1 of the submissions does not count toward it. Last evaluated 2026-03-12.

Conditions:
TTN-related disorder. Also called: TTN-related condition; TTN-related disease; TTN-related disorders.
Cardiovascular phenotype. Identifiers: MedGen CN230736.
Dilated cardiomyopathy 1G (CMD1G). Identifiers: Orphanet 154, MedGen C1858763, MONDO:0011400, OMIM 604145.
Autosomal recessive limb-girdle muscular dystrophy type 2J (LGMDR10). Also called: Limb-girdle muscular dystrophy, type 2J; MUSCULAR DYSTROPHY, LIMB-GIRDLE, AUTOSOMAL RECESSIVE 10. Identifiers: Orphanet 140922, MedGen C1837342, MONDO:0012127, OMIM 608807.

Allele frequency attached by ClinVar (database versions not stated): TOPMed 0.00003; 1000 Genomes Project 30x 0.00016; 1000 Genomes Project 0.00020.
gnomAD v4.1: 18 of 1,612,236 alleles (0.0011%); highest among the groups gnomAD compares: East Asian, 0.016%; no homozygotes.

Submissions (7):

Ambry Genetics
Classification: Likely benign for Cardiovascular phenotype. Last evaluated: 2026-03-12. Review status: criteria provided, single submitter. Criteria: Ambry Variant Classification Scheme 2023. Collection method: clinical testing. Allele origin: germline.

Labcorp Genetics (formerly Invitae), Labcorp
Classification: Likely benign for Dilated cardiomyopathy 1G; Autosomal recessive limb-girdle muscular dystrophy type 2J. Last evaluated: 2025-04-13. Review status: criteria provided, single submitter. Criteria: Invitae Variant Classification Sherloc (09022015). Collection method: clinical testing. Allele origin: germline.

Blueprint Genetics
Classification: Likely benign. Last evaluated: 2024-03-08. Review status: criteria provided, single submitter. Criteria: ACMG Guidelines, 2015. Collection method: clinical testing. Allele origin: germline.

CeGaT Center for Human Genetics Tuebingen
Classification: Likely benign. Last evaluated: 2023-03-01. Review status: criteria provided, single submitter. Criteria: CeGaT Center For Human Genetics Tuebingen Variant Classification Criteria Version 2. Collection method: clinical testing. Allele origin: germline. Affected: yes. Observed: 1 variant allele.
Comment: TTN: BP4, BP7

GeneDx
Classification: Likely benign. Last evaluated: 2017-06-13. Review status: criteria provided, single submitter. Criteria: GeneDx Variant Classification (06012015). Collection method: clinical testing. Allele origin: germline. Affected: yes.
Comment: This variant is considered likely benign or benign based on one or more of the following criteria: it is a conservative change, it occurs at a poorly conserved position in the protein, it is predicted to be benign by multiple in silico algorithms, and/or has population frequency not consistent with disease.

Laboratory for Molecular Medicine, Mass General Brigham Personalized Medicine
Classification: Likely benign. Last evaluated: 2014-04-17. Review status: criteria provided, single submitter. Criteria: LMM Criteria. Collection method: clinical testing. Allele origin: germline. Observed: 1 variant allele.
Comment: Thr13713Thr in exon 210 of TTN: This variant is not expected to have clinical si gnificance because it does not alter an amino acid residue and is not located wi thin the splice consensus sequence.

PreventionGenetics, part of Exact Sciences
Classification: Likely benign for TTN-related condition. Last evaluated: 2024-03-25. Review status: no assertion criteria provided. Collection method: clinical testing. Allele origin: germline. Not counted in ClinVar's aggregate classification.
Comment: This variant is classified as likely benign based on ACMG/AMP sequence variant interpretation guidelines (Richards et al. 2015 PMID: 25741868, with internal and published modifications).

NM_001267550.2(TTN):c.48843C>T (p.Thr16281=)

Genes: TTN (titin; minus strand), TTN-AS1 (TTN antisense RNA 1; plus strand), LOC126806426 (BRD4-independent group 4 enhancer GRCh37_chr2:179478848-179480047; plus strand). Cytogenetic location: 2q31.2.
Variant type: single nucleotide variant.
Coding change: c.48843C>T on transcript NM_001267550.2 (MANE Select); coding-DNA position 48843, C replaced by T.
Protein change: p.Thr16281=; no amino-acid change (threonine 16281 retained).
Molecular consequence: synonymous variant. On other transcripts: non-coding transcript variant (1).
Genome position (GRCh38, 1-based): chr2:178,614,671, G>A on the plus strand (C>T on the coding strand, the complement: TTN is on the minus strand). VCF-style: chr2-178614671-G-A. GRCh37 (hg19) VCF-style: chr2-179479398-G-A.
Other names: c.43920C>T, p.Thr14640= (NM_001256850.1); c.41139C>T, p.Thr13713= (NM_133378.4); c.21648C>T, p.Thr7216= (NM_003319.4); c.22023C>T, p.Thr7341= (NM_133432.3); c.22224C>T, p.Thr7408= (NM_133437.4).
Identifiers: ClinVar variation 179704 (VCV000179704.38), dbSNP rs547682223, ClinGen allele CA184962.